The following is an entry in ClinVar:

NM_020987.5(ANK3):c.2132A>T (p.Asn711Ile)

Gene: ANK3 (ankyrin 3; minus strand). Cytogenetic location: 10q21.2.
Variant type: single nucleotide variant.
Coding change: c.2132A>T on transcript NM_020987.5 (MANE Select); coding-DNA position 2132, A replaced by T.
Protein change: p.Asn711Ile; replaces asparagine 711 with isoleucine.
Molecular consequence: missense variant.
Genome position (GRCh38, 1-based): chr10:60,181,381, T>A on the plus strand (A>T on the coding strand, the complement: ANK3 is on the minus strand). VCF-style: chr10-60181381-T-A. GRCh37 (hg19) VCF-style: chr10-61941139-T-A.
Other names: c.2081A>T, p.Asn694Ile (NM_001204404.2); c.2132A>T, p.Asn711Ile (NM_001320874.2); c.2114A>T, p.Asn705Ile (NM_001204403.2); short protein forms N694I, N705I, N711I.
Identifiers: ClinVar variation 3370173 (VCV003370173.1).
Genomic context (GRCh38, chr10:60,181,381, plus strand): 5'-CCGTATACCTTTGTCTGGGCGTCCACATGAGCCCCTTGGTTTACGAGGACTTCTGCCACA[T>A]TCACTCGATCTTCTTGAGCAGCCAAATGGAGTGGGGTCAGGCCGCTCTGCAAAAGATTCA-3'
Protein context (NP_066267.2, residues 701-721): LHLAAQEDRV[Asn711Ile]VAEVLVNQGA

ClinVar aggregate classification (germline): Uncertain significance (1 of 4 stars; one submission).

Submission:

GeneDx
Classification: Uncertain significance. Last evaluated: 2023-12-30. Review status: criteria provided, single submitter. Criteria: GeneDx Variant Classification Process June 2021. Collection method: clinical testing. Allele origin: germline. Affected: yes.
Comment: Not observed at significant frequency in large population cohorts (gnomAD); In silico analysis supports that this missense variant has a deleterious effect on protein structure/function; Has not been previously published as pathogenic or benign to our knowledge